The following is an entry in ClinVar:

ClinVar aggregate classification (germline): Uncertain significance. Review status: criteria provided, multiple submitters, no conflicts (2 of 4 stars). 3 submissions from 3 submitters: Uncertain significance (2). 1 of the submissions does not count toward it. Last evaluated 2025-10-05.

Conditions:
CSGALNACT1-related disorder. Also called: CSGALNACT1-related condition.
Inborn genetic diseases. Identifiers: MedGen C0950123, MeSH D030342.

gnomAD v4.1: 17 of 1,613,970 alleles (0.0011%); highest among the groups gnomAD compares: African/African-American, 0.0067%; no homozygotes.

Submissions (3):

Labcorp Genetics (formerly Invitae), Labcorp
Classification: Uncertain significance. Last evaluated: 2025-10-05. Review status: criteria provided, single submitter. Criteria: Invitae Variant Classification Sherloc (09022015). Collection method: clinical testing. Allele origin: germline.
Comment: This sequence change replaces arginine, which is basic and polar, with cysteine, which is neutral and slightly polar, at codon 345 of the CSGALNACT1 protein (p.Arg345Cys). This variant is present in population databases (no rsID available, gnomAD 0.008%). This variant has not been reported in the literature in individuals affected with CSGALNACT1-related conditions. ClinVar contains an entry for this variant (Variation ID: 3269760). Invitae Evidence Modeling of protein sequence and biophysical properties (such as structural, functional, and spatial information, amino acid conservation, physicochemical variation, residue mobility, and thermodynamic stability) indicates that this missense variant is expected to disrupt CSGALNACT1 protein function with a positive predictive value of 80%. In summary, the available evidence is currently insufficient to determine the role of this variant in disease. Therefore, it has been classified as a Variant of Uncertain Significance.

Ambry Genetics
Classification: Uncertain significance for Inborn genetic diseases. Last evaluated: 2024-04-17. Review status: criteria provided, single submitter. Criteria: Ambry Variant Classification Scheme 2023. Collection method: clinical testing. Allele origin: germline.

PreventionGenetics, part of Exact Sciences
Classification: Uncertain significance for CSGALNACT1-related condition. Last evaluated: 2024-09-23. Review status: no assertion criteria provided. Collection method: clinical testing. Allele origin: germline. Not counted in ClinVar's aggregate classification.
Comment: The CSGALNACT1 c.1033C>T variant is predicted to result in the amino acid substitution p.Arg345Cys. To our knowledge, this variant has not been reported in the literature. This variant is reported in 0.0080% of alleles in individuals of African descent in gnomAD. At this time, the clinical significance of this variant is uncertain due to the absence of conclusive functional and genetic evidence.

NM_001354483.2(CSGALNACT1):c.1033C>T (p.Arg345Cys)

Gene: CSGALNACT1 (chondroitin sulfate N-acetylgalactosaminyltransferase 1; minus strand). Cytogenetic location: 8p21.3.
Variant type: single nucleotide variant.
Coding change: c.1033C>T on transcript NM_001354483.2 (MANE Select); coding-DNA position 1033, C replaced by T.
Protein change: p.Arg345Cys; replaces arginine 345 with cysteine.
Molecular consequence: missense variant. On other transcripts: non-coding transcript variant (7).
Genome position (GRCh38, 1-based): chr8:19,420,439, G>A on the plus strand (C>T on the coding strand, the complement: CSGALNACT1 is on the minus strand). VCF-style: chr8-19420439-G-A. GRCh37 (hg19) VCF-style: chr8-19277950-G-A.
Other names: c.1033C>T, p.Arg345Cys (NM_001130518.2, NM_001354475.2, NM_001354476.2 and 18 more transcripts); short protein forms R345C.
Identifiers: ClinVar variation 3269760 (VCV003269760.3).